The following is an entry in ClinVar:

NM_001288705.3(CSF1R):c.2546T>C (p.Phe849Ser)

Gene: CSF1R (colony stimulating factor 1 receptor; minus strand). Cytogenetic location: 5q32.
Variant type: single nucleotide variant.
Coding change: c.2546T>C on transcript NM_001288705.3 (MANE Select); coding-DNA position 2546, T replaced by C.
Protein change: p.Phe849Ser; replaces phenylalanine 849 with serine.
Molecular consequence: missense variant. On other transcripts: non-coding transcript variant (2).
Genome position (GRCh38, 1-based): chr5:150,056,034, A>G on the plus strand (T>C on the coding strand, the complement: CSF1R is on the minus strand). VCF-style: chr5-150056034-A-G. GRCh37 (hg19) VCF-style: chr5-149435597-A-G.
Other names: c.2546T>C, p.Phe849Ser (NM_001349736.2, NM_001375320.1, NM_005211.4); c.2102T>C, p.Phe701Ser (NM_001375321.1); short protein forms F849S, F701S.
Identifiers: ClinVar variation 3901844 (VCV003901844.1), dbSNP rs281860277.
Genomic context (GRCh38, chr5:150,056,034, plus strand): 5'-CAACCAGAGGAGCCAGCCCCAGGCTCTGCCTGGAGTGGGCCCAGTGGCTCACCAAGTGAG[A>G]AGATCTCCCAGAGGAGGATGCCATAGGACCAGACGTCGCTCTGAACCGTGTAGACACAGT-3'
Protein context (NP_001275634.1, residues 839-859): WSYGILLWEI[Phe849Ser]SLGLNPYPGI

ClinVar aggregate classification (germline): Likely pathogenic (0 of 4 stars; one submission).

Conditions:
CSF1R-related leukoencephalopathy.

Submission:

Neurology Laboratory, National Cheng Kung University Hospital
Classification: Likely pathogenic for CSF1R-related leukoencephalopathy. Last evaluated: 2021-06-11. Review status: no assertion criteria provided. Collection method: research. Allele origin: germline. Affected: yes.
Comment: This variant results in a Phenylalanine to Serine substitution at codon 849 of the CSF1R protein (p.Phe849Ser).